The following is an entry in ClinVar:

ClinVar aggregate classification (germline): Uncertain significance (1 of 4 stars; one submission).

Conditions:
Hereditary cancer-predisposing syndrome. Also called: Hereditary neoplastic syndrome; Neoplastic Syndromes, Hereditary; Tumor predisposition; Hereditary Cancer Syndrome. Identifiers: Orphanet 140162, MedGen C0027672, MeSH D009386, MONDO:0015356.

Submission:

Ambry Genetics
Classification: Uncertain significance for Hereditary cancer-predisposing syndrome. Last evaluated: 2025-08-27. Review status: criteria provided, single submitter. Criteria: Ambry Variant Classification Scheme 2023. Collection method: clinical testing. Allele origin: germline.
Comment: The p.A273T variant (also known as c.817G>A), located in coding exon 10 of the MUTYH gene, results from a G to A substitution at nucleotide position 817. The alanine at codon 273 is replaced by threonine, an amino acid with similar properties. This amino acid position is conserved. In addition, this alteration is predicted to be tolerated by in silico analysis. Based on the available evidence, the clinical significance of this variant remains unclear.

NM_001048174.2(MUTYH):c.733G>A (p.Ala245Thr)

Gene: MUTYH (mutY DNA glycosylase; minus strand). Cytogenetic location: 1p34.1.
Variant type: single nucleotide variant.
Coding change: c.733G>A on transcript NM_001048174.2 (MANE Select); coding-DNA position 733, G replaced by A.
Protein change: p.Ala245Thr; replaces alanine 245 with threonine.
Molecular consequence: missense variant. On other transcripts: non-coding transcript variant (7).
Genome position (GRCh38, 1-based): chr1:45,332,282, C>T on the plus strand (G>A on the coding strand, the complement: MUTYH is on the minus strand). VCF-style: chr1-45332282-C-T. GRCh37 (hg19) VCF-style: chr1-45797954-C-T.
Other names: c.388G>A, p.Ala130Thr (NM_001350651.2, NM_001407082.1, NM_001350650.2); c.733G>A, p.Ala245Thr (NM_001407081.1, NM_001407088.1, NM_001407089.1 and 6 more transcripts); c.775G>A, p.Ala259Thr (NM_001407083.1, NM_001407085.1); c.736G>A, p.Ala246Thr (NM_001407086.1, NM_001048172.2, NM_001407071.1 and 1 more transcripts); c.754G>A, p.Ala252Thr (NM_001407087.1); c.457G>A, p.Ala153Thr (NM_001407091.1, NM_001293192.2, NM_001293196.2); c.817G>A, p.Ala273Thr (NM_001128425.2); c.778G>A, p.Ala260Thr (NM_001293190.2); and 5 more; short protein forms A252T, A273T, A245T, A246T, A260T, A130T, A231T, A256T.
Identifiers: ClinVar variation 4113855 (VCV004113855.1).
Genomic context (GRCh38, chr1:45,332,282, plus strand): 5'-GTGGGGTACACACTGTGGCCCCTAGCTCCATGGCTGCTTGGTTGAAATCTCCTGGCCGGG[C>T]TGGGTCCACCAGCTGCTGGGCTAGACCCCTAAAAGAAGGGAACACTGCTGTGAAGCAGAG-3'
Protein context (NP_001041639.1, residues 235-255): WGLAQQLVDP[Ala245Thr]RPGDFNQAAM